The following is an entry in ClinVar:

NM_004974.4(KCNA2):c.889C>T (p.Arg297Trp)

Gene: KCNA2 (potassium voltage-gated channel subfamily A member 2; minus strand). Cytogenetic location: 1p13.3.
Variant type: single nucleotide variant.
Coding change: c.889C>T on transcript NM_004974.4 (MANE Select); coding-DNA position 889, C replaced by T.
Protein change: p.Arg297Trp; replaces arginine 297 with tryptophan.
Molecular consequence: missense variant.
Genome position (GRCh38, 1-based): chr1:110,603,894, G>A on the plus strand (C>T on the coding strand, the complement: KCNA2 is on the minus strand). VCF-style: chr1-110603894-G-A. GRCh37 (hg19) VCF-style: chr1-111146516-G-A.
Other names: c.889C>T, p.Arg297Trp (NM_001204269.2); short protein forms R297W.
Identifiers: ClinVar variation 986989 (VCV000986989.13), dbSNP rs1649473972, ClinGen allele CA341602893.
Genomic context (GRCh38, chr1:110,603,894, plus strand): 5'-GAATCTGGAGACCTTTGGAGTGTCTGGACAACTTGAAAATCCTAAAGACTCTTACCAACC[G>A]GATGACACGGAGGATGGCCAGTGACATGGCCTGCTGGCCTTGCTGAGCGTCCTCTGGCTT-3'
Protein context (NP_004965.1, residues 287-307): AMSLAILRVI[Arg297Trp]LVRVFRIFKL

ClinVar aggregate classification (germline): Pathogenic. Review status: criteria provided, multiple submitters, no conflicts (2 of 4 stars). 4 submissions from 4 submitters: Pathogenic (4). Last evaluated 2024-10-25.

Conditions:
KCNA2-related disorder. Also called: KCNA2-related condition.
Developmental and epileptic encephalopathy, 32 (DEE32). Also called: Epileptic encephalopathy, early infantile, 32. Identifiers: Orphanet 442835, MedGen C4225350, MONDO:0014607, OMIM 616366.

Submissions (4):

Blueprint Genetics
Classification: Pathogenic for KCNA2-related disorders. Last evaluated: 2024-10-25. Review status: criteria provided, single submitter. Criteria: ACMG Guidelines, 2015. Collection method: clinical testing. Allele origin: germline. Affected: yes. Observed: 1 variant allele.

Labcorp Genetics (formerly Invitae), Labcorp
Classification: Pathogenic for Developmental and epileptic encephalopathy, 32. Last evaluated: 2024-04-25. Review status: criteria provided, single submitter. Criteria: Invitae Variant Classification Sherloc (09022015). Collection method: clinical testing. Allele origin: germline.
Comment: This sequence change replaces arginine, which is basic and polar, with tryptophan, which is neutral and slightly polar, at codon 297 of the KCNA2 protein (p.Arg297Trp). This variant is not present in population databases (gnomAD no frequency). This missense change has been observed in individual(s) with clinical features of early infantile epileptic encephalopathy (EIEE) (PMID: 28806589, 29100083, 31170314). In at least one individual the variant was observed to be de novo. ClinVar contains an entry for this variant (Variation ID: 986989). Advanced modeling of protein sequence and biophysical properties (such as structural, functional, and spatial information, amino acid conservation, physicochemical variation, residue mobility, and thermodynamic stability) performed at Invitae indicates that this missense variant is expected to disrupt KCNA2 protein function with a positive predictive value of 80%. This variant disrupts the p.Arg297 amino acid residue in KCNA2. Other variant(s) that disrupt this residue have been determined to be pathogenic (PMID: 25477152, 25751627, 27733563, 29050392, 30283815). This suggests that this residue is clinically significant, and that variants that disrupt this residue are likely to be disease-causing. For these reasons, this variant has been classified as Pathogenic.

MGZ Medical Genetics Center
Classification: Pathogenic for Developmental and epileptic encephalopathy, 32. Last evaluated: 2022-06-03. Review status: criteria provided, single submitter. Criteria: ACMG Guidelines, 2015. Collection method: clinical testing. Allele origin: germline. Affected: yes. Observed: 1 variant allele.
Comment: ACMG criteria applied: PS2, PS4, PM2_SUP, PP2, PP3

Institute of Medical Genetics and Applied Genomics, University Hospital Tübingen
Classification: Pathogenic. Last evaluated: 2020-10-23. Review status: criteria provided, single submitter. Criteria: ACMG Guidelines, 2015. Collection method: clinical testing. Allele origin: germline. Inheritance: Autosomal dominant inheritance. Affected: yes.

Literature cited by the submitters: PubMed 28806589 (cited by Labcorp Genetics (formerly Invitae), Labcorp); PubMed 29100083 (cited by Labcorp Genetics (formerly Invitae), Labcorp); PubMed 31170314 (cited by Labcorp Genetics (formerly Invitae), Labcorp); PubMed 25477152 (cited by Labcorp Genetics (formerly Invitae), Labcorp); PubMed 25751627 (cited by Labcorp Genetics (formerly Invitae), Labcorp); PubMed 27733563 (cited by Labcorp Genetics (formerly Invitae), Labcorp); PubMed 29050392 (cited by Labcorp Genetics (formerly Invitae), Labcorp); PubMed 30283815 (cited by Labcorp Genetics (formerly Invitae), Labcorp).